The following is an entry in ClinVar:

NM_022455.5(NSD1):c.3055C>G (p.Arg1019Gly)

Gene: NSD1 (nuclear receptor binding SET domain protein 1; plus strand). Cytogenetic location: 5q35.3.
Variant type: single nucleotide variant.
Coding change: c.3055C>G on transcript NM_022455.5 (MANE Select); coding-DNA position 3055, C replaced by G.
Protein change: p.Arg1019Gly; replaces arginine 1019 with glycine.
Molecular consequence: missense variant.
Genome position (GRCh38, 1-based): chr5:177,211,454, C>G. VCF-style: chr5-177211454-C-G. GRCh37 (hg19) VCF-style: chr5-176638455-C-G.
Other names: c.2182C>G, p.Arg728Gly (NM_001365684.2, NM_001409306.1, NM_001409307.1 and 3 more transcripts); c.3055C>G, p.Arg1019Gly (NM_001409301.1, NM_001409302.1, NM_001409303.1); c.2635C>G, p.Arg879Gly (NM_001409304.1); c.2302C>G, p.Arg768Gly (NM_001409305.1); short protein forms R1019G, R728G, R768G, R879G.
Identifiers: ClinVar variation 2574909 (VCV002574909.1), dbSNP rs1460977537, ClinGen allele CA362321773.
Genomic context (GRCh38, chr5:177,211,454, plus strand): 5'-CTGTCCGACAAGAGAGACCTCCCTGCTTCTGGTAAAAGTCGTTCAGACTGTGTTACTAGG[C>G]GCAACTGTGGACGATCAAAGCCTTCATCCAAATTGCGAGATGCTTTTTCAGCCCAAATGG-3'
Protein context (NP_071900.2, residues 1009-1029): GKSRSDCVTR[Arg1019Gly]NCGRSKPSSK

ClinVar aggregate classification (germline): Uncertain significance (1 of 4 stars; one submission).

gnomAD v4.1: 9 of 1,614,092 alleles (0.00056%); highest among the groups gnomAD compares: South Asian, 0.0088%; no homozygotes.

Submission:

GeneDx
Classification: Uncertain significance. Last evaluated: 2023-02-05. Review status: criteria provided, single submitter. Criteria: GeneDx Variant Classification Process June 2021. Collection method: clinical testing. Allele origin: germline. Affected: yes.
Comment: In silico analysis supports that this missense variant does not alter protein structure/function; Has not been previously published as pathogenic or benign to our knowledge